The following is an entry in ClinVar:

NM_152383.5(DIS3L2):c.1983del (p.Thr662fs)

Gene: DIS3L2 (DIS3 like 3'-5' exoribonuclease 2; plus strand). Cytogenetic location: 2q37.1.
Variant type: Deletion.
Coding change: c.1983del on transcript NM_152383.5 (MANE Select); coding-DNA position 1983, one base deleted (C; older notation c.1983delC).
Protein change: p.Thr662fs; shifts the reading frame from threonine 662.
Molecular consequence: frameshift variant. On other transcripts: non-coding transcript variant (2), intron variant (1).
Genome position (GRCh38, 1-based): chr2:232,330,749, C deleted. VCF-style (leftmost placement, unchanged base first): chr2-232330748-TC-T. GRCh37 (hg19) VCF-style: chr2-233195458-TC-T.
Other names: c.1582-12596del (NM_001257281.2); short protein forms T662fs.
Identifiers: ClinVar variation 956967 (VCV000956967.8), dbSNP rs1395962146, ClinGen allele CA766151391.

ClinVar aggregate classification (germline): Pathogenic/Likely pathogenic. Review status: criteria provided, multiple submitters, no conflicts (2 of 4 stars). 2 submissions from 2 submitters: Pathogenic (1); Likely pathogenic (1). Last evaluated 2024-02-05.

Conditions:
Perlman syndrome (PRLMNS). Identifiers: Orphanet 2849, MedGen C0796113, MONDO:0009965, OMIM 267000.

Allele frequency attached by ClinVar (database versions not stated): gnomAD exomes below 0.00001; TOPMed below 0.00001; gnomAD 0.00001.

Submissions (2):

Baylor Genetics
Classification: Likely pathogenic for Perlman syndrome. Last evaluated: 2024-02-05. Review status: criteria provided, single submitter. Criteria: ACMG Guidelines, 2015. Collection method: clinical testing. Allele origin: unknown.

Labcorp Genetics (formerly Invitae), Labcorp
Classification: Pathogenic for Perlman syndrome. Last evaluated: 2023-07-20. Review status: criteria provided, single submitter. Criteria: Invitae Variant Classification Sherloc (09022015). Collection method: clinical testing. Allele origin: germline.
Comment: This variant is not present in population databases (gnomAD no frequency). For these reasons, this variant has been classified as Pathogenic. ClinVar contains an entry for this variant (Variation ID: 956967). This variant has not been reported in the literature in individuals affected with DIS3L2-related conditions. This sequence change creates a premature translational stop signal (p.Thr662Profs*58) in the DIS3L2 gene. It is expected to result in an absent or disrupted protein product. Loss-of-function variants in DIS3L2 are known to be pathogenic (PMID: 22306653, 28328139).

Literature cited by the submitters: PubMed 22306653 (cited by Labcorp Genetics (formerly Invitae), Labcorp); PubMed 28328139 (cited by Labcorp Genetics (formerly Invitae), Labcorp).